The following is an entry in ClinVar:

NM_000059.4(BRCA2):c.5773C>G (p.Gln1925Glu)

Gene: BRCA2 (BRCA2 DNA repair associated; plus strand). Cytogenetic location: 13q13.1.
Variant type: single nucleotide variant.
Coding change: c.5773C>G on transcript NM_000059.4 (MANE Select); coding-DNA position 5773, C replaced by G.
Protein change: p.Gln1925Glu; replaces glutamine 1925 with glutamic acid.
Molecular consequence: missense variant.
Genome position (GRCh38, 1-based): chr13:32,340,128, C>G. VCF-style: chr13-32340128-C-G. GRCh37 (hg19) VCF-style: chr13-32914265-C-G.
Other names: short protein forms Q1925E.
Identifiers: ClinVar variation 140999 (VCV000140999.10), dbSNP rs80358806, ClinGen allele CA023201.

ClinVar aggregate classification (germline): Conflicting classifications of pathogenicity. Review status: criteria provided, conflicting classifications (1 of 4 stars). 3 submissions from 3 submitters: Uncertain significance (2); Likely benign (1). Last evaluated 2023-03-23.

Conditions:
Hereditary cancer-predisposing syndrome. Also called: Neoplastic Syndromes, Hereditary; Tumor predisposition; Hereditary Cancer Syndrome; Hereditary neoplastic syndrome. Identifiers: Orphanet 140162, MedGen C0027672, MeSH D009386, MONDO:0015356.

Submissions (3):

University of Washington Department of Laboratory Medicine, University of Washington
Classification: Likely benign for Hereditary cancer-predisposing syndrome. Last evaluated: 2023-03-23. Review status: criteria provided, single submitter. Criteria: Dines et al. (Genet Med. 2020). Collection method: curation. Allele origin: germline.
Comment: Missense variant in a coldspot region where missense variants are very unlikely to be pathogenic (PMID:31911673).

BRCA2 exon 11 coldspot. Reclassification based on statistical prior probability.

Color Diagnostics, LLC DBA Color Health
Classification: Uncertain significance for Hereditary cancer-predisposing syndrome. Last evaluated: 2019-11-25. Review status: criteria provided, single submitter. Criteria: ACMG Guidelines, 2015. Collection method: clinical testing. Allele origin: germline.
Comment: This missense variant replaces glutamine with glutamic acid at codon 1925 of the BRCA2 protein. Computational prediction suggests that this variant may not impact protein structure and function (internally defined REVEL score threshold <= 0.5, PMID: 27666373). Splice site prediction tools suggest that this variant may not impact RNA splicing. To our knowledge, functional studies have not been performed for this variant. This variant has not been reported in individuals affected with hereditary cancer in the literature. This variant has not been identified in the general population by the Genome Aggregation Database (gnomAD). The available evidence is insufficient to determine the role of this variant in disease conclusively. Therefore, this variant is classified as a Variant of Uncertain Significance.

Ambry Genetics
Classification: Uncertain significance for Hereditary cancer-predisposing syndrome. Last evaluated: 2018-06-26. Review status: criteria provided, single submitter. Criteria: Ambry Variant Classification Scheme 2023. Collection method: clinical testing. Allele origin: germline.
Comment: The p.Q1925E variant (also known as c.5773C>G), located in coding exon 10 of the BRCA2 gene, results from a C to G substitution at nucleotide position 5773. The glutamine at codon 1925 is replaced by glutamic acid, an amino acid with highly similar properties. This amino acid position is not well conserved in available vertebrate species. In addition, the in silico prediction for this alteration is inconclusive. Since supporting evidence is limited at this time, the clinical significance of this alteration remains unclear.